The following is an entry in ClinVar:

ClinVar aggregate classification (germline): Conflicting classifications of pathogenicity. Review status: criteria provided, conflicting classifications (1 of 4 stars). 3 submissions from 3 submitters: Uncertain significance (2); Likely benign (1). Last evaluated 2025-08-14.

Allele frequency attached by ClinVar (database versions not stated): ExAC 0.00014; 1000 Genomes Project 30x 0.00016; 1000 Genomes Project 0.00020; gnomAD 0.00024; TOPMed 0.00025; ESP Exome Variant Server 0.00031.
gnomAD v4.1: 250 of 1,609,032 alleles (0.016%); highest among the groups gnomAD compares: Middle Eastern, 0.069%; 1 homozygote.

Submissions (3):

Ambry Genetics
Classification: Uncertain significance. Last evaluated: 2025-08-14. Review status: criteria provided, single submitter. Criteria: Ambry Variant Classification Scheme 2023. Collection method: clinical testing. Allele origin: germline.

Women's Health and Genetics/Laboratory Corporation of America, LabCorp
Classification: Uncertain significance. Last evaluated: 2024-11-27. Review status: criteria provided, single submitter. Criteria: LabCorp Variant Classification Summary - May 2015. Collection method: clinical testing. Allele origin: germline.
Comment: Variant summary: TRPA1 c.2294C>T (p.Thr765Met) results in a non-conservative amino acid change located in the Ion transport domain (IPR005821) of the encoded protein sequence. Three of five in-silico tools predict a benign effect of the variant on protein function. Several computational tools predict a significant impact on normal splicing: Two predict the variant weakens a 5' donor site. One predicts the variant has no significant impact on splicing. However, these predictions have yet to be confirmed by functional studies. The variant allele was found at a frequency of 0.00014 in 249124 control chromosomes. This frequency is not significantly higher than estimated for a pathogenic variant in TRPA1 causing Familial episodic pain syndrome with predominantly upper body involvement, allowing no conclusion about variant significance. To our knowledge, no occurrence of c.2294C>T in individuals affected with Familial episodic pain syndrome with predominantly upper body involvement and no experimental evidence demonstrating its impact on protein function have been reported. ClinVar contains an entry for this variant (Variation ID: 2205866). Based on the evidence outlined above, the variant was classified as uncertain significance.

CeGaT Center for Human Genetics Tuebingen
Classification: Likely benign. Last evaluated: 2024-08-01. Review status: criteria provided, single submitter. Criteria: CeGaT Center For Human Genetics Tuebingen Variant Classification Criteria Version 2. Collection method: clinical testing. Allele origin: germline. Affected: yes. Observed: 1 variant allele.
Comment: TRPA1: BP4, BS1

NM_007332.3(TRPA1):c.2294C>T (p.Thr765Met)

Genes: MSC-AS1 (MSC antisense RNA 1; plus strand), TRPA1 (transient receptor potential cation channel subfamily A member 1; minus strand). Cytogenetic location: 8q21.11.
Variant type: single nucleotide variant.
Coding change: c.2294C>T on transcript NM_007332.3 (MANE Select); coding-DNA position 2294, C replaced by T.
Protein change: p.Thr765Met; replaces threonine 765 with methionine.
Molecular consequence: missense variant.
Genome position (GRCh38, 1-based): chr8:72,038,866, G>A on the plus strand (C>T on the coding strand, the complement: TRPA1 is on the minus strand). VCF-style: chr8-72038866-G-A. GRCh37 (hg19) VCF-style: chr8-72951101-G-A.
Other names: short protein forms T765M.
Identifiers: ClinVar variation 2205866 (VCV002205866.20), dbSNP rs74545891, ClinGen allele CA4780559.